The following is an entry in ClinVar:

ClinVar aggregate classification (germline): Uncertain significance (1 of 4 stars; one submission).

Submission:

Labcorp Genetics (formerly Invitae), Labcorp
Classification: Uncertain significance. Last evaluated: 2023-12-13. Review status: criteria provided, single submitter. Criteria: Invitae Variant Classification Sherloc (09022015). Collection method: clinical testing. Allele origin: unknown.
Comment: A gross deletion of the genomic region encompassing the full coding sequence of the BACH2 gene has been identified. The current clinical and genetic evidence is not sufficient to establish whether loss-of-function variants in BACH2 cause disease. The boundaries of this event are unknown as they extend beyond the assayed region for this gene and therefore may encompass additional genes. This variant has not been reported in the literature in individuals affected with BACH2-related conditions. In summary, the available evidence is currently insufficient to determine the role of this variant in disease. Therefore, it has been classified as a Variant of Uncertain Significance.

NC_000006.11:g.(?_90518279)_(91296602_?)del

Genes: BACH2 (BTB domain and CNC homolog 2; minus strand), CASP8AP2 (caspase 8 associated protein 2; plus strand), GJA10 (gap junction protein alpha 10; plus strand), MAP3K7 (mitogen-activated protein kinase kinase kinase 7; minus strand), MDN1 (midasin AAA ATPase 1; minus strand). Cytogenetic location: 6q15.
Variant type: Deletion.
Identifiers: ClinVar variation 3246238 (VCV003246238.1).